The following is an entry in ClinVar:

ClinVar aggregate classification (germline): Uncertain significance. Review status: criteria provided, multiple submitters, no conflicts (2 of 4 stars). 5 submissions from 5 submitters: Uncertain significance (5). Last evaluated 2025-12-04.

Conditions:
SRP72-related disorder. Also called: SRP72-related condition.

Allele frequency attached by ClinVar (database versions not stated): gnomAD exomes 0.00013 and 0.00005; gnomAD 0.00006; TOPMed 0.00005; ExAC 0.00006.
gnomAD v4.1: 198 of 1,614,062 alleles (0.012%); highest among the groups gnomAD compares: Non-Finnish European, 0.016%; no homozygotes.

Submissions (5):

Genetic Services Laboratory, University of Chicago
Classification: Uncertain significance. Last evaluated: 2025-12-04. Review status: criteria provided, single submitter. Criteria: ACMG Guidelines, 2015. Collection method: clinical testing. Allele origin: germline.
Comment: DNA sequence analysis of the SRP72 gene demonstrated a sequence change, c.527A>G, in exon 5 that results in an amino acid change, p.His176Arg. This sequence change has been described in the gnomAD database with a frequency of 0.012% in the non-Finnish European subpopulation (dbSNP rs775983847). The p.His176Arg change affects a poorly conserved amino acid residue located in a domain of the SRP72 protein that is known to be functional. In-silico pathogenicity prediction tools (SIFT, PolyPhen2, Align GVGD, REVEL) provide contradictory results for the p.His176Arg substitution. This sequence change does not appear to have been previously described in individuals with SRP72-related disorders. Due to insufficient evidences and the lack of functional studies, the clinical significance of the p.His176Arg change remains unknown at this time.

Labcorp Genetics (formerly Invitae), Labcorp
Classification: Uncertain significance. Last evaluated: 2025-10-26. Review status: criteria provided, single submitter. Criteria: Invitae Variant Classification Sherloc (09022015). Collection method: clinical testing. Allele origin: germline.
Comment: This sequence change replaces histidine, which is basic and polar, with arginine, which is basic and polar, at codon 176 of the SRP72 protein (p.His176Arg). This variant is present in population databases (rs775983847, gnomAD 0.01%). This variant has not been reported in the literature in individuals affected with SRP72-related conditions. ClinVar contains an entry for this variant (Variation ID: 1336015). Invitae Evidence Modeling of protein sequence and biophysical properties (such as structural, functional, and spatial information, amino acid conservation, physicochemical variation, residue mobility, and thermodynamic stability) indicates that this missense variant is not expected to disrupt SRP72 protein function with a negative predictive value of 80%. In summary, the available evidence is currently insufficient to determine the role of this variant in disease. Therefore, it has been classified as a Variant of Uncertain Significance.

PreventionGenetics, part of Exact Sciences
Classification: Uncertain significance for SRP72-related condition. Last evaluated: 2025-02-25. Review status: criteria provided, single submitter. Criteria: ACMG Guidelines, 2015. Collection method: clinical testing. Allele origin: germline.
Comment: The SRP72 c.527A>G variant is predicted to result in the amino acid substitution p.His176Arg. To our knowledge, this variant has not been reported in the literature. This variant is reported in 0.012% of alleles in individuals of European (Non-Finnish) descent in gnomAD. Although we suspect that this variant may be benign, at this time, the clinical significance of this variant is uncertain due to the absence of conclusive functional and genetic evidence.

Ambry Genetics
Classification: Uncertain significance. Last evaluated: 2024-11-17. Review status: criteria provided, single submitter. Criteria: Ambry Variant Classification Scheme 2023. Collection method: clinical testing. Allele origin: germline.
Comment: The p.H176R variant (also known as c.527A>G), located in coding exon 5 of the SRP72 gene, results from an A to G substitution at nucleotide position 527. The histidine at codon 176 is replaced by arginine, an amino acid with highly similar properties. This amino acid position is conserved. In addition, the in silico prediction for this alteration is inconclusive. Based on the available evidence, the clinical significance of this variant remains unclear.

GeneDx
Classification: Uncertain significance. Last evaluated: 2023-10-27. Review status: criteria provided, single submitter. Criteria: GeneDx Variant Classification Process June 2021. Collection method: clinical testing. Allele origin: germline. Affected: yes.
Comment: In silico analysis supports that this missense variant has a deleterious effect on protein structure/function; Has not been previously published as pathogenic or benign to our knowledge

NM_006947.4(SRP72):c.527A>G (p.His176Arg)

Gene: SRP72 (signal recognition particle 72; plus strand). Cytogenetic location: 4q12.
Variant type: single nucleotide variant.
Coding change: c.527A>G on transcript NM_006947.4 (MANE Select); coding-DNA position 527, A replaced by G.
Protein change: p.His176Arg; replaces histidine 176 with arginine.
Molecular consequence: missense variant. On other transcripts: non-coding transcript variant (1).
Genome position (GRCh38, 1-based): chr4:56,474,308, A>G. VCF-style: chr4-56474308-A-G. GRCh37 (hg19) VCF-style: chr4-57340474-A-G.
Other names: c.527A>G, p.His176Arg (NM_001267722.2); short protein forms H176R.
Identifiers: ClinVar variation 1336015 (VCV001336015.16), dbSNP rs775983847, ClinGen allele CA2931094.